The following is an entry in ClinVar:

ClinVar aggregate classification (germline): Uncertain significance. Review status: criteria provided, multiple submitters, no conflicts (2 of 4 stars). 2 submissions from 2 submitters: Uncertain significance (2). Last evaluated 2025-07-02.

Conditions:
Inborn genetic diseases. Identifiers: MedGen C0950123, MeSH D030342.

Allele frequency attached by ClinVar (database versions not stated): gnomAD exomes below 0.00001.
gnomAD v4.1: 4 of 1,608,782 alleles (0.00025%); highest among the groups gnomAD compares: Non-Finnish European, 0.00034%; no homozygotes.

Submissions (2):

Ambry Genetics
Classification: Uncertain significance for Inborn genetic diseases. Last evaluated: 2025-07-02. Review status: criteria provided, single submitter. Criteria: Ambry Variant Classification Scheme 2023. Collection method: clinical testing. Allele origin: germline.

CeGaT Center for Human Genetics Tuebingen
Classification: Uncertain significance. Last evaluated: 2023-01-01. Review status: criteria provided, single submitter. Criteria: CeGaT Center For Human Genetics Tuebingen Variant Classification Criteria Version 2. Collection method: clinical testing. Allele origin: germline. Affected: yes. Observed: 1 variant allele.
Comment: TCOF1: PM2, BP4

NM_001371623.1(TCOF1):c.953C>T (p.Ala318Val)

Gene: TCOF1 (treacle ribosome biogenesis factor 1; plus strand). Cytogenetic location: 5q32.
Variant type: single nucleotide variant.
Coding change: c.953C>T on transcript NM_001371623.1 (MANE Select); coding-DNA position 953, C replaced by T.
Protein change: p.Ala318Val; replaces alanine 318 with valine.
Molecular consequence: missense variant.
Genome position (GRCh38, 1-based): chr5:150,374,256, C>T. VCF-style: chr5-150374256-C-T. GRCh37 (hg19) VCF-style: chr5-149753819-C-T.
Other names: c.953C>T (NM_001135243.1); c.722C>T, p.Ala241Val (NM_000356.4, NM_001135245.2); c.953C>T, p.Ala318Val (NM_001008657.3, NM_001135243.2, NM_001135244.2 and 1 more transcripts); short protein forms A241V, A318V.
Identifiers: ClinVar variation 2655926 (VCV002655926.25), dbSNP rs1763190197, ClinGen allele CA361742289.